The following is an entry in ClinVar:

NM_007294.4(BRCA1):c.5332+14A>C

Gene: BRCA1 (BRCA1 DNA repair associated; minus strand). Cytogenetic location: 17q21.31.
Variant type: single nucleotide variant.
Coding change: c.5332+14A>C on transcript NM_007294.4 (MANE Select); 14 bases into the intron after coding-DNA position 5332, A replaced by C.
Molecular consequence: intron variant.
Genome position (GRCh38, 1-based): chr17:43,051,049, T>G on the plus strand (A>C on the coding strand, the complement: BRCA1 is on the minus strand). VCF-style: chr17-43051049-T-G. GRCh37 (hg19) VCF-style: chr17-41203066-T-G.
Other names: c.5191+14A>C (NM_007297.4, NM_001407731.1, NM_001407695.1 and 13 more transcripts); c.1819+14A>C (NM_001408475.1, NM_001408476.1); c.5125+14A>C (NM_001407875.1, NM_001407874.1); c.5248+14A>C (NM_001407659.1, NM_001407662.1, NM_001407660.1 and 2 more transcripts); c.1942+14A>C (NM_001408412.1, NM_001408413.1, NM_001408416.1 and 2 more transcripts); c.5251+14A>C (NM_001407656.1, NM_001407657.1, NM_001407658.1); c.5254+14A>C (NM_001407654.1, NM_001407652.1, NM_001407653.1 and 1 more transcripts); c.1681+14A>C (NM_001408509.1); and 74 more.
Identifiers: ClinVar variation 868320 (VCV000868320.3), dbSNP rs2051191873, ClinGen allele CA916080998.

Conditions:
Breast-ovarian cancer, familial, susceptibility to, 1 (BROVCA1). Also called: BRCA1 Hereditary Breast and Ovarian Cancer; OVARIAN CANCER, SUSCEPTIBILITY TO. Identifiers: Orphanet 145, MedGen C2676676, MONDO:0011450, OMIM 604370. Disease mechanism: loss of function.

Submission:

Brotman Baty Institute, University of Washington
No classification provided (evidence only). Condition: Breast-ovarian cancer, familial 1. Review status: no classification provided. Collection method: in vitro. Allele origin: not applicable. Functional consequence: functionally_normal.
ClinVar note: "not provided" was previously submitted as the classification for the variant. However, the classification appeared to be based only on an observation of functional data so it was converted to no classification on 2025-07-30.